The following is an entry in ClinVar:

NM_001368067.1(LDB3):c.455C>T (p.Ala152Val)

Genes: LDB3 (LIM domain binding 3; plus strand), LOC110121486 (VISTA enhancer hs2143; plus strand). Cytogenetic location: 10q23.2.
Variant type: single nucleotide variant.
Coding change: c.455C>T on transcript NM_001368067.1 (MANE Plus Clinical); coding-DNA position 455, C replaced by T.
Protein change: p.Ala152Val; replaces alanine 152 with valine.
Molecular consequence: missense variant. On other transcripts: intron variant (5).
Genome position (GRCh38, 1-based): chr10:86,687,179, C>T. VCF-style: chr10-86687179-C-T. GRCh37 (hg19) VCF-style: chr10-88446936-C-T.
Other names: c.455C>T, p.Ala152Val (NM_001080114.2, NM_001080116.1, NM_001368066.1 and 1 more transcripts); c.800C>T, p.Ala267Val (NM_001171610.2, NM_001171611.2); c.690-4717C>T (NM_001368064.1, NM_001368063.1, NM_007078.3 and 2 more transcripts); short protein forms A152V, A267V.
Identifiers: ClinVar variation 283157 (VCV000283157.7), dbSNP rs753193786, ClinGen allele CA5584828.

ClinVar aggregate classification (germline): Uncertain significance. Review status: criteria provided, multiple submitters, no conflicts (2 of 4 stars). 2 submissions from 2 submitters: Uncertain significance (2). Last evaluated 2024-09-19.

Conditions:
Myofibrillar myopathy 4. Also called: Zaspopathy (type). Identifiers: Orphanet 98912, MedGen C4721886, MONDO:0012277, OMIM 609452.

Allele frequency attached by ClinVar (database versions not stated): TOPMed below 0.00001.

Submissions (2):

Labcorp Genetics (formerly Invitae), Labcorp
Classification: Uncertain significance for Myofibrillar myopathy 4. Last evaluated: 2024-09-19. Review status: criteria provided, single submitter. Criteria: Invitae Variant Classification Sherloc (09022015). Collection method: clinical testing. Allele origin: germline.
Comment: This sequence change replaces alanine, which is neutral and non-polar, with valine, which is neutral and non-polar, at codon 152 of the LDB3 protein (p.Ala152Val). This variant is present in population databases (rs753193786, gnomAD 0.003%). This variant has not been reported in the literature in individuals affected with LDB3-related conditions. ClinVar contains an entry for this variant (Variation ID: 283157). An algorithm developed to predict the effect of missense changes on protein structure and function (PolyPhen-2) suggests that this variant is likely to be tolerated. In summary, the available evidence is currently insufficient to determine the role of this variant in disease. Therefore, it has been classified as a Variant of Uncertain Significance.

Eurofins Ntd Llc (ga)
Classification: Uncertain significance. Last evaluated: 2015-09-29. Review status: criteria provided, single submitter. Criteria: EGL Classification Definitions 2015. Collection method: clinical testing. Allele origin: germline. Observed: 1 variant allele, 1 heterozygote.